The following is an entry in ClinVar:

ClinVar aggregate classification (germline): Uncertain significance (1 of 4 stars; one submission).

Conditions:
Hereditary cancer-predisposing syndrome. Also called: Neoplastic Syndromes, Hereditary; Tumor predisposition; Hereditary Cancer Syndrome; Hereditary neoplastic syndrome. Identifiers: Orphanet 140162, MedGen C0027672, MeSH D009386, MONDO:0015356.

Submission:

Ambry Genetics
Classification: Uncertain significance for Hereditary cancer-predisposing syndrome. Last evaluated: 2026-06-14. Review status: criteria provided, single submitter. Criteria: Ambry Variant Classification Scheme 2023. Collection method: clinical testing. Allele origin: germline.
Comment: The p.I1055L variant (also known as c.3163A>C), located in coding exon 19 of the ALK gene, results from an A to C substitution at nucleotide position 3163. The isoleucine at codon 1055 is replaced by leucine, an amino acid with highly similar properties. This amino acid position is conserved. In addition, the in silico prediction for this alteration is inconclusive. Based on the available evidence, the clinical significance of this variant remains unclear.

NM_004304.5(ALK):c.3163A>C (p.Ile1055Leu)

Gene: ALK (ALK receptor tyrosine kinase; minus strand). Cytogenetic location: 2p23.2.
Variant type: single nucleotide variant.
Coding change: c.3163A>C on transcript NM_004304.5 (MANE Select); coding-DNA position 3163, A replaced by C.
Protein change: p.Ile1055Leu; replaces isoleucine 1055 with leucine.
Molecular consequence: missense variant.
Genome position (GRCh38, 1-based): chr2:29,225,470, T>G on the plus strand (A>C on the coding strand, the complement: ALK is on the minus strand). VCF-style: chr2-29225470-T-G. GRCh37 (hg19) VCF-style: chr2-29448336-T-G.
Other names: short protein forms I1055L.
Identifiers: ClinVar variation 4870615 (VCV004870615.1).